The following is an entry in ClinVar:

ClinVar aggregate classification (germline): Pathogenic. Review status: criteria provided, multiple submitters, no conflicts (2 of 4 stars). 2 submissions from 2 submitters: Pathogenic (2). Last evaluated 2023-08-24.

Conditions:
Lynch syndrome 5 (LYNCH5). Also called: Colorectal cancer, hereditary nonpolyposis, type 5; Hereditary non-polyposis colorectal cancer, type 5. Identifiers: Orphanet 144, MedGen C1833477, MONDO:0013710, OMIM 614350. Disease mechanism: loss of function.
Hereditary nonpolyposis colorectal neoplasms. Identifiers: MedGen C0009405, MeSH D003123.

Submissions (2):

Myriad Genetics, Inc.
Classification: Pathogenic for Lynch syndrome 5. Last evaluated: 2023-08-24. Review status: criteria provided, single submitter. Criteria: Myriad Autosomal Dominant, Autosomal Recessive and X-Linked Classification Criteria (2023). Collection method: clinical testing. Allele origin: unknown.
Comment: This variant is considered pathogenic. This variant creates a frameshift predicted to result in premature protein truncation.

Labcorp Genetics (formerly Invitae), Labcorp
Classification: Pathogenic for Hereditary nonpolyposis colorectal neoplasms. Last evaluated: 2021-10-11. Review status: criteria provided, single submitter. Criteria: Invitae Variant Classification Sherloc (09022015). Collection method: clinical testing. Allele origin: germline.
Comment: For these reasons, this variant has been classified as Pathogenic. This variant has not been reported in the literature in individuals affected with MSH6-related conditions. This variant is not present in population databases (ExAC no frequency). This sequence change creates a premature translational stop signal (p.Ala1206Serfs*9) in the MSH6 gene. It is expected to result in an absent or disrupted protein product. Loss-of-function variants in MSH6 are known to be pathogenic (PMID: 18269114, 24362816).

Literature cited by the submitters: PubMed 18269114 (cited by Labcorp Genetics (formerly Invitae), Labcorp); PubMed 24362816 (cited by Labcorp Genetics (formerly Invitae), Labcorp).

NM_000179.3(MSH6):c.3615dup (p.Ala1206fs)

Gene: MSH6 (mutS homolog 6; plus strand). Cytogenetic location: 2p16.3.
Variant type: Duplication.
Coding change: c.3615dup on transcript NM_000179.3 (MANE Select); coding-DNA position 3615, one base duplicated (A; older notation c.3615dupA).
Protein change: p.Ala1206fs; shifts the reading frame from alanine 1206.
Molecular consequence: frameshift variant.
Genome position (GRCh38, 1-based): chr2:47,805,676, A duplicated. VCF-style (leftmost placement, unchanged base first): chr2-47805675-C-CA. GRCh37 (hg19) VCF-style: chr2-48032814-C-CA.
Other names: c.3225dup, p.Ala1076fs (NM_001281492.2); c.2709dup, p.Ala904fs (NM_001281493.2, NM_001281494.2); short protein forms A1206fs, A904fs, A1076fs.
Identifiers: ClinVar variation 1454867 (VCV001454867.7), dbSNP rs2104525000, ClinGen allele CA2573134751.